The following is an entry in ClinVar:

NM_004655.4(AXIN2):c.957A>G (p.Val319=)

Gene: AXIN2 (axin 2; minus strand). Cytogenetic location: 17q24.1.
Variant type: single nucleotide variant.
Coding change: c.957A>G on transcript NM_004655.4 (MANE Select); coding-DNA position 957, A replaced by G.
Protein change: p.Val319=; no amino-acid change (valine 319 retained).
Molecular consequence: synonymous variant.
Genome position (GRCh38, 1-based): chr17:65,541,557, T>C on the plus strand (A>G on the coding strand, the complement: AXIN2 is on the minus strand). VCF-style: chr17-65541557-T-C. GRCh37 (hg19) VCF-style: chr17-63537675-T-C.
Other names: c.957A>G, p.Val319= (NM_001363813.1).
Identifiers: ClinVar variation 1767434 (VCV001767434.5), dbSNP rs1421324764, ClinGen allele CA501476531.

ClinVar aggregate classification (germline): Conflicting classifications of pathogenicity. Review status: criteria provided, conflicting classifications (1 of 4 stars). 2 submissions from 2 submitters: Uncertain significance (1); Likely benign (1). Last evaluated 2022-11-28.

Conditions:
Hereditary cancer-predisposing syndrome. Also called: Hereditary Cancer Syndrome; Hereditary neoplastic syndrome; Neoplastic Syndromes, Hereditary; Tumor predisposition. Identifiers: Orphanet 140162, MedGen C0027672, MeSH D009386, MONDO:0015356.
Oligodontia-cancer predisposition syndrome. Also called: TOOTH AGENESIS-COLORECTAL CANCER SYNDROME. Identifiers: Orphanet 300576, MedGen C1837750, MONDO:0012075, OMIM 608615. Disease mechanism: loss of function.

Allele frequency attached by ClinVar (database versions not stated): TOPMed below 0.00001; gnomAD 0.00001.
gnomAD v4.1: 1 of 1,612,672 alleles (0.000062%); highest among the groups gnomAD compares: African/African-American, 0.0013%; no homozygotes.

Submissions (2):

Labcorp Genetics (formerly Invitae), Labcorp
Classification: Uncertain significance for Oligodontia-cancer predisposition syndrome. Last evaluated: 2022-11-28. Review status: criteria provided, single submitter. Criteria: Invitae Variant Classification Sherloc (09022015). Collection method: clinical testing. Allele origin: germline.
Comment: In summary, the available evidence is currently insufficient to determine the role of this variant in disease. Therefore, it has been classified as a Variant of Uncertain Significance. Algorithms developed to predict the effect of sequence changes on RNA splicing suggest that this variant is not likely to affect RNA splicing. This variant has not been reported in the literature in individuals affected with AXIN2-related conditions. This variant is not present in population databases (gnomAD no frequency). This sequence change affects codon 319 of the AXIN2 mRNA. It is a 'silent' change, meaning that it does not change the encoded amino acid sequence of the AXIN2 protein. It affects a nucleotide within the consensus splice site.

Ambry Genetics
Classification: Likely benign for Hereditary cancer-predisposing syndrome. Last evaluated: 2022-08-24. Review status: criteria provided, single submitter. Criteria: Ambry Variant Classification Scheme 2023. Collection method: clinical testing. Allele origin: germline.